The following is an entry in ClinVar:

NM_000906.4(NPR1):c.2757+1G>A

Gene: NPR1 (natriuretic peptide receptor 1; plus strand). Cytogenetic location: 1q21.3.
Variant type: single nucleotide variant.
Coding change: c.2757+1G>A on transcript NM_000906.4 (MANE Select); the canonical splice donor site of the intron after coding-DNA position 2757, G replaced by A.
Molecular consequence: splice donor variant.
Genome position (GRCh38, 1-based): chr1:153,689,522, G>A. VCF-style: chr1-153689522-G-A. GRCh37 (hg19) VCF-style: chr1-153661998-G-A.
Identifiers: ClinVar variation 4281195 (VCV004281195.7).

ClinVar aggregate classification (germline): Uncertain significance (1 of 4 stars; one submission).

gnomAD v4.1: 8 of 1,613,836 alleles (0.0005%); highest among the groups gnomAD compares: Non-Finnish European, 0.00059%; no homozygotes.

Submission:

CeGaT Center for Human Genetics Tuebingen
Classification: Uncertain significance. Last evaluated: 2025-09-01. Review status: criteria provided, single submitter. Criteria: CeGaT Center For Human Genetics Tuebingen Variant Classification Criteria Version 2. Collection method: clinical testing. Allele origin: germline. Affected: yes. Observed: 1 variant allele.
Comment: NPR1: PVS1:Supporting